The following is an entry in ClinVar:

NM_181336.4(LEMD2):c.1079A>G (p.His360Arg)

Gene: LEMD2 (LEM domain nuclear envelope protein 2; minus strand). Cytogenetic location: 6p21.31.
Variant type: single nucleotide variant.
Coding change: c.1079A>G on transcript NM_181336.4 (MANE Select); coding-DNA position 1079, A replaced by G.
Protein change: p.His360Arg; replaces histidine 360 with arginine.
Molecular consequence: missense variant.
Genome position (GRCh38, 1-based): chr6:33,778,319, T>C on the plus strand (A>G on the coding strand, the complement: LEMD2 is on the minus strand). VCF-style: chr6-33778319-T-C. GRCh37 (hg19) VCF-style: chr6-33746096-T-C.
Other names: c.173A>G, p.His58Arg (NM_001143944.1, NM_001348709.2); c.680A>G, p.His227Arg (NM_001348710.2); short protein forms H360R, H227R, H58R.
Identifiers: ClinVar variation 1397553 (VCV001397553.6), dbSNP rs1582255510, ClinGen allele CA363691071.

ClinVar aggregate classification (germline): Uncertain significance (1 of 4 stars; one submission).

Submission:

Labcorp Genetics (formerly Invitae), Labcorp
Classification: Uncertain significance. Last evaluated: 2022-06-09. Review status: criteria provided, single submitter. Criteria: Invitae Variant Classification Sherloc (09022015). Collection method: clinical testing. Allele origin: germline.
Comment: In summary, the available evidence is currently insufficient to determine the role of this variant in disease. Therefore, it has been classified as a Variant of Uncertain Significance. Algorithms developed to predict the effect of missense changes on protein structure and function output the following: SIFT: "Tolerated"; PolyPhen-2: "Benign"; Align-GVGD: "Class C0". The arginine amino acid residue is found in multiple mammalian species, which suggests that this missense change does not adversely affect protein function. This variant has not been reported in the literature in individuals affected with LEMD2-related conditions. This variant is not present in population databases (gnomAD no frequency). This sequence change replaces histidine, which is basic and polar, with arginine, which is basic and polar, at codon 360 of the LEMD2 protein (p.His360Arg).